The following is an entry in ClinVar:

NM_001724.5(BPGM):c.31C>A (p.His11Asn)

Gene: BPGM (bisphosphoglycerate mutase; plus strand). Cytogenetic location: 7q33.
Variant type: single nucleotide variant.
Coding change: c.31C>A on transcript NM_001724.5 (MANE Select); coding-DNA position 31, C replaced by A.
Protein change: p.His11Asn; replaces histidine 11 with asparagine.
Molecular consequence: missense variant.
Genome position (GRCh38, 1-based): chr7:134,661,538, C>A. VCF-style: chr7-134661538-C-A. GRCh37 (hg19) VCF-style: chr7-134346290-C-A.
Other names: c.31C>A, p.His11Asn (NM_001293085.2, NM_199186.3); short protein forms H11N.
Identifiers: ClinVar variation 3992419 (VCV003992419.2).

ClinVar aggregate classification (germline): Uncertain significance. Review status: criteria provided, multiple submitters, no conflicts (2 of 4 stars). 2 submissions from 2 submitters: Uncertain significance (2). Last evaluated 2025-05-06.

gnomAD v4.1: 22 of 1,613,984 alleles (0.0014%); highest among the groups gnomAD compares: Admixed American, 0.028%; no homozygotes.

Submissions (2):

Ambry Genetics
Classification: Uncertain significance. Last evaluated: 2025-05-06. Review status: criteria provided, single submitter. Criteria: Ambry Variant Classification Scheme 2023. Collection method: clinical testing. Allele origin: germline.

Labcorp Genetics (formerly Invitae), Labcorp
Classification: Uncertain significance. Last evaluated: 2025-05-03. Review status: criteria provided, single submitter. Criteria: Invitae Variant Classification Sherloc (09022015). Collection method: clinical testing. Allele origin: germline.
Comment: This sequence change replaces histidine, which is basic and polar, with asparagine, which is neutral and polar, at codon 11 of the BPGM protein (p.His11Asn). This variant is present in population databases (rs765982220, gnomAD 0.02%). This variant has not been reported in the literature in individuals affected with BPGM-related conditions. Invitae Evidence Modeling of protein sequence and biophysical properties (such as structural, functional, and spatial information, amino acid conservation, physicochemical variation, residue mobility, and thermodynamic stability) has been performed for this missense variant. However, the output from this modeling did not meet the statistical confidence thresholds required to predict the impact of this variant on BPGM protein function. In summary, the available evidence is currently insufficient to determine the role of this variant in disease. Therefore, it has been classified as a Variant of Uncertain Significance.